The following is an entry in ClinVar:

NM_005051.3(QARS1):c.1654C>G (p.Leu552Val)

Gene: QARS1 (glutaminyl-tRNA synthetase 1; minus strand). Cytogenetic location: 3p21.31.
Variant type: single nucleotide variant.
Coding change: c.1654C>G on transcript NM_005051.3 (MANE Select); coding-DNA position 1654, C replaced by G.
Protein change: p.Leu552Val; replaces leucine 552 with valine.
Molecular consequence: missense variant. On other transcripts: non-coding transcript variant (1).
Genome position (GRCh38, 1-based): chr3:49,099,214, G>C on the plus strand (C>G on the coding strand, the complement: QARS1 is on the minus strand). VCF-style: chr3-49099214-G-C. GRCh37 (hg19) VCF-style: chr3-49136647-G-C.
Other names: c.1621C>G, p.Leu541Val (NM_001272073.2); short protein forms L552V, L541V.
Identifiers: ClinVar variation 1477710 (VCV001477710.6), dbSNP rs2107099204, ClinGen allele CA352704069.

ClinVar aggregate classification (germline): Uncertain significance (1 of 4 stars; one submission).

Conditions:
Diffuse cerebral and cerebellar atrophy - intractable seizures - progressive microcephaly syndrome. Also called: Microcephaly, progressive, with seizures and cerebral and cerebellar atrophy. Identifiers: Orphanet 404437, MedGen C4014239, MONDO:0014335, OMIM 615760.

Submission:

Labcorp Genetics (formerly Invitae), Labcorp
Classification: Uncertain significance for Diffuse cerebral and cerebellar atrophy - intractable seizures - progressive microcephaly syndrome. Last evaluated: 2021-11-27. Review status: criteria provided, single submitter. Criteria: Invitae Variant Classification Sherloc (09022015). Collection method: clinical testing. Allele origin: germline.
Comment: Algorithms developed to predict the effect of missense changes on protein structure and function (SIFT, PolyPhen-2, Align-GVGD) all suggest that this variant is likely to be tolerated. This variant has not been reported in the literature in individuals affected with QARS-related conditions. This variant is not present in population databases (gnomAD no frequency). This sequence change replaces leucine, which is neutral and non-polar, with valine, which is neutral and non-polar, at codon 552 of the QARS protein (p.Leu552Val). In summary, the available evidence is currently insufficient to determine the role of this variant in disease. Therefore, it has been classified as a Variant of Uncertain Significance.